The following is an entry in ClinVar:

ClinVar aggregate classification (germline): Uncertain significance (1 of 4 stars; one submission).

Allele frequency attached by ClinVar (database versions not stated): ExAC 0.00002; gnomAD exomes 0.00002; TOPMed 0.00003; gnomAD 0.00005 and 0.00006; ESP Exome Variant Server 0.00008.
gnomAD v4.1: 50 of 1,613,996 alleles (0.0031%); highest among the groups gnomAD compares: African/African-American, 0.0067%; no homozygotes.

Submission:

Labcorp Genetics (formerly Invitae), Labcorp
Classification: Uncertain significance. Last evaluated: 2022-11-15. Review status: criteria provided, single submitter. Criteria: Invitae Variant Classification Sherloc (09022015). Collection method: clinical testing. Allele origin: germline.
Comment: This sequence change replaces arginine with glutamine at codon 272 of the IFT52 protein (p.Arg272Gln). The arginine residue is weakly conserved and there is a small physicochemical difference between arginine and glutamine. In summary, the available evidence is currently insufficient to determine the role of this variant in disease. Therefore, it has been classified as a Variant of Uncertain Significance. Advanced modeling of protein sequence and biophysical properties (such as structural, functional, and spatial information, amino acid conservation, physicochemical variation, residue mobility, and thermodynamic stability) performed at Invitae indicates that this missense variant is not expected to disrupt IFT52 protein function. ClinVar contains an entry for this variant (Variation ID: 1410447). This variant has not been reported in the literature in individuals affected with IFT52-related conditions. This variant is present in population databases (rs145689726, gnomAD 0.008%).

NM_016004.5(IFT52):c.815G>A (p.Arg272Gln)

Gene: IFT52 (intraflagellar transport 52; plus strand). Cytogenetic location: 20q13.12.
Variant type: single nucleotide variant.
Coding change: c.815G>A on transcript NM_016004.5 (MANE Select); coding-DNA position 815, G replaced by A.
Protein change: p.Arg272Gln; replaces arginine 272 with glutamine.
Molecular consequence: missense variant.
Genome position (GRCh38, 1-based): chr20:43,623,937, G>A. VCF-style: chr20-43623937-G-A. GRCh37 (hg19) VCF-style: chr20-42252577-G-A.
Other names: c.815G>A, p.Arg272Gln (NM_001303458.3, NM_001303459.3); c.287G>A, p.Arg96Gln (NM_001323578.2, NM_001323580.2); c.164G>A, p.Arg55Gln (NM_001323579.2, NM_001323581.2); short protein forms R55Q, R272Q, R96Q.
Identifiers: ClinVar variation 1410447 (VCV001410447.7), dbSNP rs145689726, ClinGen allele CA9867012.